The following is an entry in ClinVar:

ClinVar aggregate classification (germline): Uncertain significance. Review status: criteria provided, multiple submitters, no conflicts (2 of 4 stars). 3 submissions from 3 submitters: Uncertain significance (3). Last evaluated 2025-11-30.

Conditions:
Hereditary cancer-predisposing syndrome. Also called: Hereditary Cancer Syndrome; Hereditary neoplastic syndrome; Neoplastic Syndromes, Hereditary; Tumor predisposition. Identifiers: Orphanet 140162, MedGen C0027672, MeSH D009386, MONDO:0015356.
Endometrial carcinoma. Also called: Endometrial carcinoma, somatic. Identifiers: MedGen C0476089, MONDO:0002447, OMIM 608089, HP:0012114.

gnomAD v4.1: 1 of 1,613,838 alleles (0.000062%); highest among the groups gnomAD compares: Non-Finnish European, 0.000085%; no homozygotes.

Submissions (3):

Labcorp Genetics (formerly Invitae), Labcorp
Classification: Uncertain significance. Last evaluated: 2025-11-30. Review status: criteria provided, single submitter. Criteria: Invitae Variant Classification Sherloc (09022015). Collection method: clinical testing. Allele origin: germline.
Comment: This sequence change replaces threonine, which is neutral and polar, with arginine, which is basic and polar, at codon 473 of the MSH3 protein (p.Thr473Arg). This variant is not present in population databases (gnomAD no frequency). This variant has not been reported in the literature in individuals affected with MSH3-related conditions. ClinVar contains an entry for this variant (Variation ID: 1772173). An algorithm developed to predict the effect of missense changes on protein structure and function (PolyPhen-2) suggests that this variant is likely to be tolerated. In summary, the available evidence is currently insufficient to determine the role of this variant in disease. Therefore, it has been classified as a Variant of Uncertain Significance.

Ambry Genetics
Classification: Uncertain significance for Hereditary cancer-predisposing syndrome. Last evaluated: 2023-11-23. Review status: criteria provided, single submitter. Criteria: Ambry Variant Classification Scheme 2023. Collection method: clinical testing. Allele origin: germline.
Comment: The p.T473R variant (also known as c.1418C>G), located in coding exon 9 of the MSH3 gene, results from a C to G substitution at nucleotide position 1418. The threonine at codon 473 is replaced by arginine, an amino acid with similar properties. This amino acid position is conserved. In addition, the in silico prediction for this alteration is inconclusive. Since supporting evidence is limited at this time, the clinical significance of this alteration remains unclear.

Baylor Genetics
Classification: Uncertain significance for Endometrial carcinoma. Last evaluated: 2023-10-27. Review status: criteria provided, single submitter. Criteria: ACMG Guidelines, 2015. Collection method: clinical testing. Allele origin: unknown.

NM_002439.5(MSH3):c.1418C>G (p.Thr473Arg)

Gene: MSH3 (mutS homolog 3; plus strand). Cytogenetic location: 5q14.1.
Variant type: single nucleotide variant.
Coding change: c.1418C>G on transcript NM_002439.5 (MANE Select); coding-DNA position 1418, C replaced by G.
Protein change: p.Thr473Arg; replaces threonine 473 with arginine.
Molecular consequence: missense variant.
Genome position (GRCh38, 1-based): chr5:80,725,530, C>G. VCF-style: chr5-80725530-C-G. GRCh37 (hg19) VCF-style: chr5-80021349-C-G.
Other names: short protein forms T473R.
Identifiers: ClinVar variation 1772173 (VCV001772173.9), dbSNP rs755255100, ClinGen allele CA360273628.
Genomic context (GRCh38, chr5:80,725,530, plus strand): 5'-TTCGAGTCGAAAGGATGGATAACATTTATTTTGAATACAGCCATGCTTTCCAGGCAGTTA[C>G]AGAGTTTTATGCAAAAGATACAGTTGACATCAAAGGTAAATATTTTCCCTGTATGTCCTC-3'
Protein context (NP_002430.3, residues 463-483): FEYSHAFQAV[Thr473Arg]EFYAKDTVDI